The following is an entry in ClinVar:

NM_147686.4(TRAF3IP2):c.766T>C (p.Ser256Pro)

Genes: TRAF3IP2 (TRAF3 interacting protein 2; minus strand), TRAF3IP2-AS1 (TRAF3IP2 antisense RNA 1; plus strand), LOC114803478 (TRAF3IP2 eExon liver enhancer; plus strand). Cytogenetic location: 6q21.
Variant type: single nucleotide variant.
Coding change: c.766T>C on transcript NM_147686.4 (MANE Select); coding-DNA position 766, T replaced by C.
Protein change: p.Ser256Pro; replaces serine 256 with proline.
Molecular consequence: missense variant.
Genome position (GRCh38, 1-based): chr6:111,591,321, A>G on the plus strand (T>C on the coding strand, the complement: TRAF3IP2 is on the minus strand). VCF-style: chr6-111591321-A-G. GRCh37 (hg19) VCF-style: chr6-111912524-A-G.
Other names: c.766T>C (NM_147686.3); c.766T>C, p.Ser256Pro (NM_001164281.3); c.793T>C, p.Ser265Pro (NM_147200.3); short protein forms S256P, S265P.
Identifiers: ClinVar variation 1447600 (VCV001447600.9), dbSNP rs779990190, ClinGen allele CA3963269.

ClinVar aggregate classification (germline): Conflicting classifications of pathogenicity. Review status: criteria provided, conflicting classifications (1 of 4 stars). 2 submissions from 2 submitters: Uncertain significance (1); Likely benign (1). Last evaluated 2022-02-10.

Conditions:
Candidiasis, familial, 8 (CANDF8). Identifiers: Orphanet 1334, MedGen C3714992, MONDO:0014230, OMIM 615527.

Allele frequency attached by ClinVar (database versions not stated): ExAC 0.00001; gnomAD 0.00001; gnomAD exomes 0.00001 and 0.00002.
gnomAD v4.1: 22 of 1,515,284 alleles (0.0015%); highest among the groups gnomAD compares: Non-Finnish European, 0.0019%; no homozygotes.

Submissions (2):

Labcorp Genetics (formerly Invitae), Labcorp
Classification: Uncertain significance for Candidiasis, familial, 8. Last evaluated: 2022-02-10. Review status: criteria provided, single submitter. Criteria: Invitae Variant Classification Sherloc (09022015). Collection method: clinical testing. Allele origin: germline.
Comment: This sequence change replaces serine, which is neutral and polar, with proline, which is neutral and non-polar, at codon 256 of the TRAF3IP2 protein (p.Ser256Pro). This variant is present in population databases (rs779990190, gnomAD 0.002%). This variant has not been reported in the literature in individuals affected with TRAF3IP2-related conditions. Algorithms developed to predict the effect of missense changes on protein structure and function output the following: SIFT: "Tolerated"; PolyPhen-2: "Benign"; Align-GVGD: "Class C0". The proline amino acid residue is found in multiple mammalian species, which suggests that this missense change does not adversely affect protein function. In summary, the available evidence is currently insufficient to determine the role of this variant in disease. Therefore, it has been classified as a Variant of Uncertain Significance.

Blueprint Genetics
Classification: Likely benign. Last evaluated: 2021-07-29. Review status: criteria provided, single submitter. Criteria: ACMG Guidelines, 2015. Collection method: clinical testing. Allele origin: germline.